The following is an entry in ClinVar:

NM_012318.3(LETM1):c.1910C>T (p.Pro637Leu)

Gene: LETM1 (leucine zipper and EF-hand containing transmembrane protein 1; minus strand). Cytogenetic location: 4p16.3.
Variant type: single nucleotide variant.
Coding change: c.1910C>T on transcript NM_012318.3 (MANE Select); coding-DNA position 1910, C replaced by T.
Protein change: p.Pro637Leu; replaces proline 637 with leucine.
Molecular consequence: missense variant.
Genome position (GRCh38, 1-based): chr4:1,816,748, G>A on the plus strand (C>T on the coding strand, the complement: LETM1 is on the minus strand). VCF-style: chr4-1816748-G-A. GRCh37 (hg19) VCF-style: chr4-1818475-G-A.
Other names: c.1910C>T (NM_012318.2); short protein forms P637L.
Identifiers: ClinVar variation 1439888 (VCV001439888.9), dbSNP rs771522729, ClinGen allele CA2811140.

ClinVar aggregate classification (germline): Uncertain significance (1 of 4 stars; one submission).

Allele frequency attached by ClinVar (database versions not stated): gnomAD 0.00003; gnomAD exomes 0.00004 and 0.00010; TOPMed 0.00004; ExAC 0.00015.

Submission:

Labcorp Genetics (formerly Invitae), Labcorp
Classification: Uncertain significance. Last evaluated: 2025-01-06. Review status: criteria provided, single submitter. Criteria: Invitae Variant Classification Sherloc (09022015). Collection method: clinical testing. Allele origin: germline.
Comment: This sequence change replaces proline, which is neutral and non-polar, with leucine, which is neutral and non-polar, at codon 637 of the LETM1 protein (p.Pro637Leu). This variant is present in population databases (rs771522729, gnomAD 0.02%). This variant has not been reported in the literature in individuals affected with LETM1-related conditions. ClinVar contains an entry for this variant (Variation ID: 1439888). An algorithm developed to predict the effect of missense changes on protein structure and function outputs the following: PolyPhen-2: "Benign". The leucine amino acid residue is found in multiple mammalian species, which suggests that this missense change does not adversely affect protein function. In summary, the available evidence is currently insufficient to determine the role of this variant in disease. Therefore, it has been classified as a Variant of Uncertain Significance.